The following is an entry in ClinVar:

ClinVar aggregate classification (germline): Uncertain significance (1 of 4 stars; one submission).

Allele frequency attached by ClinVar (database versions not stated): gnomAD 0.00001; ExAC 0.00003.
gnomAD v4.1: 8 of 1,514,428 alleles (0.00053%); highest among the groups gnomAD compares: Non-Finnish European, 0.00071%; no homozygotes.

Submission:

GeneDx
Classification: Uncertain significance. Last evaluated: 2023-09-01. Review status: criteria provided, single submitter. Criteria: GeneDx Variant Classification Process June 2021. Collection method: clinical testing. Allele origin: germline. Affected: yes.
Comment: Not observed at significant frequency in large population cohorts (gnomAD); Has not been previously published as pathogenic or benign to our knowledge; In silico analysis is inconclusive as to whether the variant alters gene splicing. In the absence of RNA/functional studies, the actual effect of this sequence change is unknown.

NM_001267550.2(TTN):c.10304-8C>G

Gene: TTN (titin; minus strand). Cytogenetic location: 2q31.2.
Variant type: single nucleotide variant.
Coding change: c.10304-8C>G on transcript NM_001267550.2 (MANE Select); 8 bases into the intron before coding-DNA position 10304, C replaced by G.
Molecular consequence: intron variant.
Genome position (GRCh38, 1-based): chr2:178,757,924, G>C on the plus strand (C>G on the coding strand, the complement: TTN is on the minus strand). VCF-style: chr2-178757924-G-C. GRCh37 (hg19) VCF-style: chr2-179622651-G-C.
Other names: c.10165+1060C>G (NM_003319.4, NM_133437.4); c.10166-8C>G (NM_133432.3); c.10303+1060C>G (NM_133378.4, NM_001256850.1, NM_133379.5).
Identifiers: ClinVar variation 3252696 (VCV003252696.1), dbSNP rs775830139.